The following is an entry in ClinVar:

NM_000238.4(KCNH2):c.2498T>C (p.Ile833Thr)

Gene: KCNH2 (potassium voltage-gated channel subfamily H member 2; minus strand). Cytogenetic location: 7q36.1.
Variant type: single nucleotide variant.
Coding change: c.2498T>C on transcript NM_000238.4 (MANE Select); coding-DNA position 2498, T replaced by C.
Protein change: p.Ile833Thr; replaces isoleucine 833 with threonine.
Molecular consequence: missense variant. On other transcripts: non-coding transcript variant (2).
Genome position (GRCh38, 1-based): chr7:150,948,950, A>G on the plus strand (T>C on the coding strand, the complement: KCNH2 is on the minus strand). VCF-style: chr7-150948950-A-G. GRCh37 (hg19) VCF-style: chr7-150646038-A-G.
Other names: c.2210T>C, p.Ile737Thr (NM_001406753.1); c.1478T>C, p.Ile493Thr (NM_172057.3); short protein forms I493T, I737T, I833T.
Identifiers: ClinVar variation 4843607 (VCV004843607.1).

ClinVar aggregate classification (germline): Uncertain significance (1 of 4 stars; one submission).

Conditions:
Cardiovascular phenotype. Identifiers: MedGen CN230736.

Submission:

Ambry Genetics
Classification: Uncertain significance for Cardiovascular phenotype. Last evaluated: 2025-12-22. Review status: criteria provided, single submitter. Criteria: Ambry Variant Classification Scheme 2023. Collection method: clinical testing. Allele origin: germline.
Comment: The p.I833T variant (also known as c.2498T>C), located in coding exon 10 of the KCNH2 gene, results from a T to C substitution at nucleotide position 2498. The isoleucine at codon 833 is replaced by threonine, an amino acid with similar properties. Based on internal structural analysis, this variant is anticipated to result in a significant decrease in structural stability (Wang W et al. Cell. 2017 Apr;169(3):422-430.e10). This amino acid position is highly conserved in available vertebrate species. In addition, this alteration is predicted to be deleterious by in silico analysis. Based on the available evidence, the clinical significance of this variant remains unclear.

Literature cited by the submitters: PubMed 28431243.